The following is an entry in ClinVar:

NM_001040108.2(MLH3):c.2079G>T (p.Met693Ile)

Gene: MLH3 (mutL homolog 3; minus strand). Cytogenetic location: 14q24.3.
Variant type: single nucleotide variant.
Coding change: c.2079G>T on transcript NM_001040108.2 (MANE Select); coding-DNA position 2079, G replaced by T.
Protein change: p.Met693Ile; replaces methionine 693 with isoleucine.
Molecular consequence: missense variant.
Genome position (GRCh38, 1-based): chr14:75,047,577, C>A on the plus strand (G>T on the coding strand, the complement: MLH3 is on the minus strand). VCF-style: chr14-75047577-C-A. GRCh37 (hg19) VCF-style: chr14-75514280-C-A.
Other names: c.2079G>T, p.Met693Ile (NM_014381.3); short protein forms M693I.
Identifiers: ClinVar variation 2448617 (VCV002448617.2), dbSNP rs779177358, ClinGen allele CA390441884.
Genomic context (GRCh38, chr14:75,047,577, plus strand): 5'-TGTATCAGATAATATGCAATCTGTTTGTGATTTTTTGCTACCTTCCTGAAAAGCAGAAAA[C>A]ATTGTATAAGTTGCTGTAGGTTCATTCTCTAGCCCATAACTTATATTCGTTCTGCAATTT-3'
Protein context (NP_001035197.1, residues 683-703): LENEPTATYT[Met693Ile]FSAFQEGSKK

ClinVar aggregate classification (germline): Uncertain significance (1 of 4 stars; one submission).

Submission:

Ambry Genetics
Classification: Uncertain significance. Last evaluated: 2022-12-09. Review status: criteria provided, single submitter. Criteria: Ambry Variant Classification Scheme 2023. Collection method: clinical testing. Allele origin: germline.
Comment: The p.M693I variant (also known as c.2079G>T), located in coding exon 1 of the MLH3 gene, results from a G to T substitution at nucleotide position 2079. The methionine at codon 693 is replaced by isoleucine, an amino acid with highly similar properties. This amino acid position is conserved. In addition, this alteration is predicted to be tolerated by in silico analysis. Since supporting evidence is limited at this time, the clinical significance of this alteration remains unclear.